The following is an entry in ClinVar:

ClinVar aggregate classification (germline): Uncertain significance (1 of 4 stars; one submission).

Conditions:
Hereditary cancer-predisposing syndrome. Also called: Tumor predisposition; Hereditary neoplastic syndrome; Hereditary Cancer Syndrome; Neoplastic Syndromes, Hereditary. Identifiers: Orphanet 140162, MedGen C0027672, MeSH D009386, MONDO:0015356.

Submission:

Ambry Genetics
Classification: Uncertain significance for Hereditary cancer-predisposing syndrome. Last evaluated: 2023-10-15. Review status: criteria provided, single submitter. Criteria: Ambry Variant Classification Scheme 2023. Collection method: clinical testing. Allele origin: germline.
Comment: The p.R209S variant (also known as c.625C>A), located in coding exon 1 of the ALK gene, results from a C to A substitution at nucleotide position 625. The arginine at codon 209 is replaced by serine, an amino acid with dissimilar properties. This amino acid position is conserved. In addition, this alteration is predicted to be deleterious by in silico analysis. Since supporting evidence is limited at this time, the clinical significance of this alteration remains unclear.

NM_004304.5(ALK):c.625C>A (p.Arg209Ser)

Gene: ALK (ALK receptor tyrosine kinase; minus strand). Cytogenetic location: 2p23.1.
Variant type: single nucleotide variant.
Coding change: c.625C>A on transcript NM_004304.5 (MANE Select); coding-DNA position 625, C replaced by A.
Protein change: p.Arg209Ser; replaces arginine 209 with serine.
Molecular consequence: missense variant.
Genome position (GRCh38, 1-based): chr2:29,920,035, G>T on the plus strand (C>A on the coding strand, the complement: ALK is on the minus strand). VCF-style: chr2-29920035-G-T. GRCh37 (hg19) VCF-style: chr2-30142901-G-T.
Other names: short protein forms R209S.
Identifiers: ClinVar variation 3223919 (VCV003223919.1), dbSNP rs1365924896, ClinGen allele CA346589665.